The following is an entry in ClinVar:

ClinVar aggregate classification (germline): Conflicting classifications of pathogenicity. Review status: criteria provided, conflicting classifications (1 of 4 stars). 2 submissions from 2 submitters: Uncertain significance (1); Likely benign (1). Last evaluated 2024-09-06.

Allele frequency attached by ClinVar (database versions not stated): TOPMed below 0.00001; ExAC 0.00001; gnomAD 0.00001; gnomAD exomes 0.00001.
gnomAD v4.1: 12 of 1,601,910 alleles (0.00075%); highest among the groups gnomAD compares: African/African-American, 0.0013%; no homozygotes.

Submissions (2):

Women's Health and Genetics/Laboratory Corporation of America, LabCorp
Classification: Uncertain significance. Last evaluated: 2024-09-06. Review status: criteria provided, single submitter. Criteria: LabCorp Variant Classification Summary - May 2015. Collection method: clinical testing. Allele origin: germline.
Comment: Variant summary: TRIO c.3067-3C>A alters a non-conserved nucleotide located close to a canonical splice site and therefore could affect mRNA splicing, leading to a significantly altered protein sequence. Several computational tools predict a significant impact on normal splicing: Three predict the variant weakens a 3' acceptor site. One predicts the variant has no significant impact on splicing. However, these predictions have yet to be confirmed by functional studies. The variant allele was found at a frequency of 8.2e-06 in 243156 control chromosomes. The available data on variant occurrences in the general population are insufficient to allow any conclusion about variant significance. To our knowledge, no occurrence of c.3067-3C>A in individuals affected with TRIO-Related Intellectual Disability and no experimental evidence demonstrating its impact on protein function have been reported. ClinVar contains an entry for this variant (Variation ID: 2655322). Based on the evidence outlined above, the variant was classified as uncertain significance.

CeGaT Center for Human Genetics Tuebingen
Classification: Likely benign. Last evaluated: 2023-09-01. Review status: criteria provided, single submitter. Criteria: CeGaT Center For Human Genetics Tuebingen Variant Classification Criteria Version 2. Collection method: clinical testing. Allele origin: germline. Affected: yes. Observed: 1 variant allele.
Comment: TRIO: BP4

NM_007118.4(TRIO):c.3067-3C>A

Gene: TRIO (trio Rho guanine nucleotide exchange factor; plus strand). Cytogenetic location: 5p15.2.
Variant type: single nucleotide variant.
Coding change: c.3067-3C>A on transcript NM_007118.4 (MANE Select); 3 bases into the intron before coding-DNA position 3067, C replaced by A.
Molecular consequence: intron variant.
Genome position (GRCh38, 1-based): chr5:14,369,371, C>A. VCF-style: chr5-14369371-C-A. GRCh37 (hg19) VCF-style: chr5-14369480-C-A.
Identifiers: ClinVar variation 2655322 (VCV002655322.25), dbSNP rs746523125, ClinGen allele CA3206084.